The following is an entry in ClinVar:

NM_020822.3(KCNT1):c.188C>T (p.Pro63Leu)

Gene: KCNT1 (potassium sodium-activated channel subfamily T member 1; plus strand). Cytogenetic location: 9q34.3.
Variant type: single nucleotide variant.
Coding change: c.188C>T on transcript NM_020822.3 (MANE Select); coding-DNA position 188, C replaced by T.
Protein change: p.Pro63Leu; replaces proline 63 with leucine.
Molecular consequence: missense variant. On other transcripts: intron variant (1).
Genome position (GRCh38, 1-based): chr9:135,714,654, C>T. VCF-style: chr9-135714654-C-T. GRCh37 (hg19) VCF-style: chr9-138606500-C-T.
Other names: c.110+12286C>T (NM_001272003.2); short protein forms P63L.
Identifiers: ClinVar variation 2937997 (VCV002937997.3), dbSNP rs2490605193, ClinGen allele CA375493346.

ClinVar aggregate classification (germline): Uncertain significance (1 of 4 stars; one submission).

Conditions:
Autosomal dominant nocturnal frontal lobe epilepsy 5. Also called: Epilepsy, nocturnal frontal lobe, 5; CILIARY DYSKINESIA, PRIMARY, 28, WITHOUT SITUS INVERSUS; CILIARY DYSKINESIA, PRIMARY, 28, WITH SITUS INVERSUS; KCNT1-Related Epilepsy. Identifiers: Orphanet 98784, MedGen C3554306, MONDO:0014002, OMIM 615005.
Developmental and epileptic encephalopathy, 14 (DEE14). Also called: Early infantile epileptic encephalopathy 14. Identifiers: Orphanet 293181, MedGen C3554195, MONDO:0013989, OMIM 614959.

Submission:

Labcorp Genetics (formerly Invitae), Labcorp
Classification: Uncertain significance for Autosomal dominant nocturnal frontal lobe epilepsy 5; Developmental and epileptic encephalopathy, 14. Last evaluated: 2024-06-26. Review status: criteria provided, single submitter. Criteria: Invitae Variant Classification Sherloc (09022015). Collection method: clinical testing. Allele origin: germline.
Comment: This sequence change replaces proline, which is neutral and non-polar, with leucine, which is neutral and non-polar, at codon 63 of the KCNT1 protein (p.Pro63Leu). This variant is not present in population databases (gnomAD no frequency). This variant has not been reported in the literature in individuals affected with KCNT1-related conditions. Advanced modeling of protein sequence and biophysical properties (such as structural, functional, and spatial information, amino acid conservation, physicochemical variation, residue mobility, and thermodynamic stability) has been performed at Invitae for this missense variant, however the output from this modeling did not meet the statistical confidence thresholds required to predict the impact of this variant on KCNT1 protein function. In summary, the available evidence is currently insufficient to determine the role of this variant in disease. Therefore, it has been classified as a Variant of Uncertain Significance.